The following is an entry in ClinVar:

NM_018180.3(DHX32):c.2141T>C (p.Val714Ala)

Genes: BCCIP (BRCA2 and CDKN1A interacting protein; plus strand), DHX32 (DEAH-box helicase 32 (putative); minus strand). Cytogenetic location: 10q26.2.
Variant type: single nucleotide variant.
Coding change: c.2141T>C on transcript NM_018180.3 (MANE Select); coding-DNA position 2141, T replaced by C.
Protein change: p.Val714Ala; replaces valine 714 with alanine.
Molecular consequence: missense variant. On other transcripts: intron variant (2).
Genome position (GRCh38, 1-based): chr10:125,836,778, A>G on the plus strand (T>C on the coding strand, the complement: DHX32 is on the minus strand). VCF-style: chr10-125836778-A-G. GRCh37 (hg19) VCF-style: chr10-127525347-A-G.
Other names: c.774+2832A>G (NM_016567.4, NM_078469.3); short protein forms V714A.
Identifiers: ClinVar variation 2797478 (VCV002797478.3), dbSNP rs2494359672, ClinGen allele CA378671320.

ClinVar aggregate classification (germline): Uncertain significance (1 of 4 stars; one submission).

Allele frequency attached by ClinVar (database versions not stated): gnomAD exomes below 0.00001.
gnomAD v4.1: 3 of 1,614,112 alleles (0.00019%); highest among the groups gnomAD compares: Admixed American, 0.0017%; no homozygotes.

Submission:

Labcorp Genetics (formerly Invitae), Labcorp
Classification: Uncertain significance. Last evaluated: 2023-10-09. Review status: criteria provided, single submitter. Criteria: Invitae Variant Classification Sherloc (09022015). Collection method: clinical testing. Allele origin: germline.
Comment: This sequence change replaces valine, which is neutral and non-polar, with alanine, which is neutral and non-polar, at codon 714 of the DHX32 protein (p.Val714Ala). This variant is not present in population databases (gnomAD no frequency). This variant has not been reported in the literature in individuals affected with DHX32-related conditions. An algorithm developed to predict the effect of missense changes on protein structure and function (PolyPhen-2) suggests that this variant is likely to be tolerated. In summary, the available evidence is currently insufficient to determine the role of this variant in disease. Therefore, it has been classified as a Variant of Uncertain Significance.